The following is an entry in ClinVar:

NM_002439.5(MSH3):c.1322A>G (p.His441Arg)

Gene: MSH3 (mutS homolog 3; plus strand). Cytogenetic location: 5q14.1.
Variant type: single nucleotide variant.
Coding change: c.1322A>G on transcript NM_002439.5 (MANE Select); coding-DNA position 1322, A replaced by G.
Protein change: p.His441Arg; replaces histidine 441 with arginine.
Molecular consequence: missense variant.
Genome position (GRCh38, 1-based): chr5:80,679,075, A>G. VCF-style: chr5-80679075-A-G. GRCh37 (hg19) VCF-style: chr5-79974894-A-G.
Other names: short protein forms H441R.
Identifiers: ClinVar variation 1001078 (VCV001001078.8), dbSNP rs1231232313, ClinGen allele CA360269118.

ClinVar aggregate classification (germline): Uncertain significance (1 of 4 stars; one submission).

Allele frequency attached by ClinVar (database versions not stated): gnomAD exomes below 0.00001.
gnomAD v4.1: 4 of 1,614,088 alleles (0.00025%); highest among the groups gnomAD compares: East Asian, 0.0022%; no homozygotes.

Submission:

Labcorp Genetics (formerly Invitae), Labcorp
Classification: Uncertain significance. Last evaluated: 2023-11-17. Review status: criteria provided, single submitter. Criteria: Invitae Variant Classification Sherloc (09022015). Collection method: clinical testing. Allele origin: germline.
Comment: This sequence change replaces histidine, which is basic and polar, with arginine, which is basic and polar, at codon 441 of the MSH3 protein (p.His441Arg). This variant is present in population databases (no rsID available, gnomAD 0.004%). This variant has not been reported in the literature in individuals affected with MSH3-related conditions. ClinVar contains an entry for this variant (Variation ID: 1001078). Algorithms developed to predict the effect of missense changes on protein structure and function output the following: SIFT: "Not Available"; PolyPhen-2: "Benign"; Align-GVGD: "Not Available". The arginine amino acid residue is found in multiple mammalian species, which suggests that this missense change does not adversely affect protein function. In summary, the available evidence is currently insufficient to determine the role of this variant in disease. Therefore, it has been classified as a Variant of Uncertain Significance.